The following is an entry in ClinVar:

ClinVar aggregate classification (germline): Uncertain significance (1 of 4 stars; one submission).

Conditions:
RYR1-related disorder. Also called: RYR1-related condition; RYR1-related disorders. Identifiers: MedGen CN239331.

gnomAD v4.1: 2 of 1,427,764 alleles (0.00014%); highest among the groups gnomAD compares: Non-Finnish European, 0.00018%; no homozygotes.

Submission:

Labcorp Genetics (formerly Invitae), Labcorp
Classification: Uncertain significance for RYR1-related disorder. Last evaluated: 2024-05-22. Review status: criteria provided, single submitter. Criteria: Invitae Variant Classification Sherloc (09022015). Collection method: clinical testing. Allele origin: germline.
Comment: This sequence change replaces glutamic acid, which is acidic and polar, with lysine, which is basic and polar, at codon 4469 of the RYR1 protein (p.Glu4469Lys). This variant is not present in population databases (gnomAD no frequency). This variant has not been reported in the literature in individuals affected with RYR1-related conditions. Advanced modeling of protein sequence and biophysical properties (such as structural, functional, and spatial information, amino acid conservation, physicochemical variation, residue mobility, and thermodynamic stability) has been performed at Invitae for this missense variant, however the output from this modeling did not meet the statistical confidence thresholds required to predict the impact of this variant on RYR1 protein function. In summary, the available evidence is currently insufficient to determine the role of this variant in disease. Therefore, it has been classified as a Variant of Uncertain Significance.

NM_000540.3(RYR1):c.13405G>A (p.Glu4469Lys)

Gene: RYR1 (ryanodine receptor 1; plus strand). Cytogenetic location: 19q13.2.
Variant type: single nucleotide variant.
Coding change: c.13405G>A on transcript NM_000540.3 (MANE Select); coding-DNA position 13405, G replaced by A.
Protein change: p.Glu4469Lys; replaces glutamic acid 4469 with lysine.
Molecular consequence: missense variant.
Genome position (GRCh38, 1-based): chr19:38,565,739, G>A. VCF-style: chr19-38565739-G-A. GRCh37 (hg19) VCF-style: chr19-39056379-G-A.
Other names: c.13390G>A, p.Glu4464Lys (NM_001042723.2); short protein forms E4464K, E4469K.
Identifiers: ClinVar variation 3610879 (VCV003610879.2).